The following is an entry in ClinVar:

NM_000038.6(APC):c.7348C>T (p.Pro2450Ser)

Gene: APC (APC regulator of Wnt signaling pathway; plus strand). Cytogenetic location: 5q22.2.
Variant type: single nucleotide variant.
Coding change: c.7348C>T on transcript NM_000038.6 (MANE Select); coding-DNA position 7348, C replaced by T.
Protein change: p.Pro2450Ser; replaces proline 2450 with serine.
Molecular consequence: missense variant. On other transcripts: non-coding transcript variant (2).
Genome position (GRCh38, 1-based): chr5:112,842,942, C>T. VCF-style: chr5-112842942-C-T. GRCh37 (hg19) VCF-style: chr5-112178639-C-T.
Other names: c.7348C>T, p.Pro2450Ser (NM_001127510.3, NM_001354895.2, NM_001407450.1); c.7294C>T, p.Pro2432Ser (NM_001127511.3); c.7402C>T, p.Pro2468Ser (NM_001354896.2, NM_001407447.1, NM_001407448.1 and 1 more transcripts); c.7378C>T, p.Pro2460Ser (NM_001354897.2); c.7273C>T, p.Pro2425Ser (NM_001354898.2); c.7264C>T, p.Pro2422Ser (NM_001354899.2); c.7327C>T, p.Pro2443Ser (NM_001407451.1); c.7225C>T, p.Pro2409Ser (NM_001354900.2); and 12 more; short protein forms P2349S, P2359S, P2391S, P2409S, P2422S, P2468S, P2367S, P2443S.
Identifiers: ClinVar variation 3670701 (VCV003670701.3).
Genomic context (GRCh38, chr5:112,842,942, plus strand): 5'-GATAGATCAGAAAGACCTGTATTAGTACGCCAGTCAACTTTCATCAAAGAAGCTCCAAGC[C>T]CAACCTTAAGAAGAAAATTGGAGGAATCTGCTTCATTTGAATCTCTTTCTCCATCATCTA-3'
Protein context (NP_000029.2, residues 2440-2460): QSTFIKEAPS[Pro2450Ser]TLRRKLEESA

ClinVar aggregate classification (germline): Uncertain significance. Review status: criteria provided, multiple submitters, no conflicts (2 of 4 stars). 2 submissions from 2 submitters: Uncertain significance (2). Last evaluated 2025-02-12.

Conditions:
Hereditary cancer-predisposing syndrome. Also called: Hereditary Cancer Syndrome; Hereditary neoplastic syndrome; Neoplastic Syndromes, Hereditary; Tumor predisposition. Identifiers: Orphanet 140162, MedGen C0027672, MeSH D009386, MONDO:0015356.
Familial adenomatous polyposis 1 (FAP1). Also called: FAMILIAL ADENOMATOUS POLYPOSIS 1, ATTENUATED; POLYPOSIS, ADENOMATOUS INTESTINAL. Identifiers: MedGen C2713442, MONDO:0021056, OMIM 175100. Disease mechanism: loss of function.

gnomAD v4.1: 1 of 1,613,920 alleles (0.000062%); highest among the groups gnomAD compares: South Asian, 0.0011%; no homozygotes.

Submissions (2):

Ambry Genetics
Classification: Uncertain significance for Hereditary cancer-predisposing syndrome. Last evaluated: 2025-02-12. Review status: criteria provided, single submitter. Criteria: Ambry Variant Classification Scheme 2023. Collection method: clinical testing. Allele origin: germline.
Comment: The p.P2450S variant (also known as c.7348C>T), located in coding exon 15 of the APC gene, results from a C to T substitution at nucleotide position 7348. The proline at codon 2450 is replaced by serine, an amino acid with similar properties. This amino acid position is highly conserved in available vertebrate species. In addition, in silico predictors for this gene do not accurately predict pathogenicity. Missense alterations in APC are not a common cause of disease (Spier I et al. Genet Med. 2024 Feb;26(2):100992). Based on the available evidence, the clinical significance of this variant remains unclear.

Labcorp Genetics (formerly Invitae), Labcorp
Classification: Uncertain significance for Familial adenomatous polyposis 1. Last evaluated: 2024-08-31. Review status: criteria provided, single submitter. Criteria: Invitae Variant Classification Sherloc (09022015). Collection method: clinical testing. Allele origin: germline.
Comment: This sequence change replaces proline, which is neutral and non-polar, with serine, which is neutral and polar, at codon 2450 of the APC protein (p.Pro2450Ser). This variant is not present in population databases (gnomAD no frequency). This variant has not been reported in the literature in individuals affected with APC-related conditions. Invitae Evidence Modeling of protein sequence and biophysical properties (such as structural, functional, and spatial information, amino acid conservation, physicochemical variation, residue mobility, and thermodynamic stability) indicates that this missense variant is not expected to disrupt APC protein function with a negative predictive value of 95%. In summary, the available evidence is currently insufficient to determine the role of this variant in disease. Therefore, it has been classified as a Variant of Uncertain Significance.